The following is an entry in ClinVar:

ClinVar aggregate classification (germline): Uncertain significance. Review status: criteria provided, multiple submitters, no conflicts (2 of 4 stars). 2 submissions from 2 submitters: Uncertain significance (2). Last evaluated 2026-01-21.

Conditions:
Mosaic variegated aneuploidy syndrome 2 (MVA2). Identifiers: Orphanet 1052, MedGen C3279843, MONDO:0013582, OMIM 614114.
Inborn genetic diseases. Identifiers: MedGen C0950123, MeSH D030342.

Allele frequency attached by ClinVar (database versions not stated): gnomAD exomes 0.00001.

Submissions (2):

Ambry Genetics
Classification: Uncertain significance for Inborn genetic diseases. Last evaluated: 2026-01-21. Review status: criteria provided, single submitter. Criteria: Ambry Variant Classification Scheme 2023. Collection method: clinical testing. Allele origin: germline.
Comment: The p.P21S variant (also known as c.61C>T), located in coding exon 2 of the CEP57 gene, results from a C to T substitution at nucleotide position 61. The proline at codon 21 is replaced by serine, an amino acid with similar properties. This amino acid position is conserved. In addition, this alteration is predicted to be tolerated by in silico analysis. Based on the available evidence, the clinical significance of this variant remains unclear.

Labcorp Genetics (formerly Invitae), Labcorp
Classification: Uncertain significance for Mosaic variegated aneuploidy syndrome 2. Last evaluated: 2023-01-26. Review status: criteria provided, single submitter. Criteria: Invitae Variant Classification Sherloc (09022015). Collection method: clinical testing. Allele origin: germline.
Comment: In summary, the available evidence is currently insufficient to determine the role of this variant in disease. Therefore, it has been classified as a Variant of Uncertain Significance. Algorithms developed to predict the effect of missense changes on protein structure and function output the following: SIFT: "Tolerated"; PolyPhen-2: "Benign"; Align-GVGD: "Class C0". The serine amino acid residue is found in multiple mammalian species, which suggests that this missense change does not adversely affect protein function. This variant has not been reported in the literature in individuals affected with CEP57-related conditions. This variant is not present in population databases (gnomAD no frequency). This sequence change replaces proline, which is neutral and non-polar, with serine, which is neutral and polar, at codon 21 of the CEP57 protein (p.Pro21Ser).

NM_014679.5(CEP57):c.61C>T (p.Pro21Ser)

Gene: CEP57 (centrosomal protein 57; plus strand). Cytogenetic location: 11q21.
Variant type: single nucleotide variant.
Coding change: c.61C>T on transcript NM_014679.5 (MANE Select); coding-DNA position 61, C replaced by T.
Protein change: p.Pro21Ser; replaces proline 21 with serine.
Molecular consequence: missense variant. On other transcripts: 5 prime UTR variant (1).
Genome position (GRCh38, 1-based): chr11:95,799,247, C>T. VCF-style: chr11-95799247-C-T. GRCh37 (hg19) VCF-style: chr11-95532411-C-T.
Other names: c.34C>T, p.Pro12Ser (NM_001243776.2); c.61C>T, p.Pro21Ser (NM_001243777.2); c.-21C>T (NM_001363604.2); c.61C>T (NM_014679.4); short protein forms P12S, P21S.
Identifiers: ClinVar variation 2722479 (VCV002722479.4), dbSNP rs1861471264, ClinGen allele CA382415436.
Genomic context (GRCh38, chr11:95,799,247, plus strand): 5'-TGTGGTTCACACTTTTGAAAGGTAATTTGTGTCTTTATTTTTTAGAACAGCTTTGCTGAG[C>T]CATCAAGGTCTAATGGAAGCATGGTTCGGCATTCTTCATCTCCATATGTAGTATATCCTT-3'
Protein context (NP_055494.2, residues 11-31): GSHLSNSFAE[Pro21Ser]SRSNGSMVRH